The following is an entry in ClinVar:

NM_006277.3(ITSN2):c.2939A>G (p.Tyr980Cys)

Gene: ITSN2 (intersectin 2; minus strand). Cytogenetic location: 2p23.3.
Variant type: single nucleotide variant.
Coding change: c.2939A>G on transcript NM_006277.3 (MANE Select); coding-DNA position 2939, A replaced by G.
Protein change: p.Tyr980Cys; replaces tyrosine 980 with cysteine.
Molecular consequence: missense variant.
Genome position (GRCh38, 1-based): chr2:24,254,381, T>C on the plus strand (A>G on the coding strand, the complement: ITSN2 is on the minus strand). VCF-style: chr2-24254381-T-C. GRCh37 (hg19) VCF-style: chr2-24477250-T-C.
Other names: c.2897A>G, p.Tyr966Cys (NM_001348181.2); c.2819A>G, p.Tyr940Cys (NM_001348182.2, NM_001348186.2); c.2858A>G, p.Tyr953Cys (NM_001348183.2, NM_019595.4); c.2816A>G, p.Tyr939Cys (NM_001348184.2); c.2900A>G, p.Tyr967Cys (NM_001348185.2); c.2939A>G, p.Tyr980Cys (NM_147152.3); short protein forms Y939C, Y940C, Y953C, Y966C, Y967C, Y980C.
Identifiers: ClinVar variation 2634406 (VCV002634406.4), dbSNP rs201295238, ClinGen allele CA1551053.
Genomic context (GRCh38, chr2:24,254,381, plus strand): 5'-GAGCTAAATTGATTACCATCTAATTTACAAATTGCCAAAAGCTTACCTTCTCCAACTGAA[T>C]AGGCTGCCGAGGTAGGTTTCTTATTTACAGCTGCATACAAAGCTTCTGGTCTACCAAATA-3'
Protein context (NP_006268.2, residues 970-990): AVNKKPTSAA[Tyr980Cys]SVGEEYIALY

ClinVar aggregate classification (germline): Conflicting classifications of pathogenicity. Review status: criteria provided, conflicting classifications (1 of 4 stars). 2 submissions from 2 submitters: Uncertain significance (1); Benign (1). Last evaluated 2026-01-12.

Conditions:
ITSN2-related disorder. Also called: ITSN2-related condition.

Allele frequency attached by ClinVar (database versions not stated): gnomAD exomes 0.00015; gnomAD 0.00027; 1000 Genomes Project 0.00060; TOPMed 0.00036; ExAC 0.00044; 1000 Genomes Project 30x 0.00047.
gnomAD v4.1: 260 of 1,612,410 alleles (0.016%); highest among the groups gnomAD compares: East Asian, 0.49%; no homozygotes.

Submissions (2):

Labcorp Genetics (formerly Invitae), Labcorp
Classification: Benign. Last evaluated: 2026-01-12. Review status: criteria provided, single submitter. Criteria: Invitae Variant Classification Sherloc (09022015). Collection method: clinical testing. Allele origin: germline.

PreventionGenetics, part of Exact Sciences
Classification: Uncertain significance for ITSN2-related condition. Last evaluated: 2022-12-19. Review status: criteria provided, single submitter. Criteria: ACMG Guidelines, 2015. Collection method: clinical testing. Allele origin: germline.
Comment: The ITSN2 c.2939A>G variant is predicted to result in the amino acid substitution p.Tyr980Cys. To our knowledge, this variant has not been reported in the literature. This variant is reported in 0.66% of alleles in individuals of East Asian descent in gnomAD. Although we suspect that this variant may be benign, at this time, the clinical significance of this variant is uncertain due to the absence of conclusive functional and genetic evidence.